The following is an entry in ClinVar:

ClinVar aggregate classification (germline): Pathogenic (1 of 4 stars; one submission).

Conditions:
Gorlin syndrome. Also called: Nevoid Basal Cell Carcinoma Syndrome; Basal cell nevus syndrome. Identifiers: Orphanet 377, MedGen C0004779, MONDO:0007187.

Submission:

Labcorp Genetics (formerly Invitae), Labcorp
Classification: Pathogenic for Gorlin syndrome. Last evaluated: 2015-08-19. Review status: criteria provided, single submitter. Criteria: Invitae Variant Classification Sherloc (09022015). Collection method: clinical testing. Allele origin: germline.
Comment: This sequence change creates a premature translational stop signal at codon 222 (p.Tyr222*). It is expected to result in an absent or disrupted protein product. While this particular variant has not been reported in the literature, truncating variants in PTCH1 are known to be pathogenic (PMID: 16301862, 16419085). For these reasons, this variant has been classified as Pathogenic.

Literature cited by the submitters: PubMed 16301862; PubMed 16419085.

NM_000264.5(PTCH1):c.666T>A (p.Tyr222Ter)

Gene: PTCH1 (patched 1; minus strand). Cytogenetic location: 9q22.32.
Variant type: single nucleotide variant.
Coding change: c.666T>A on transcript NM_000264.5 (MANE Select); coding-DNA position 666, T replaced by A.
Protein change: p.Tyr222Ter; replaces tyrosine 222 with a stop codon.
Molecular consequence: nonsense. On other transcripts: non-coding transcript variant (1).
Genome position (GRCh38, 1-based): chr9:95,482,029, A>T on the plus strand (T>A on the coding strand, the complement: PTCH1 is on the minus strand). VCF-style: chr9-95482029-A-T. GRCh37 (hg19) VCF-style: chr9-98244311-A-T.
Other names: c.468T>A, p.Tyr156Ter (NM_001083602.3, NM_001354919.2); c.663T>A, p.Tyr221Ter (NM_001083603.3); c.213T>A, p.Tyr71Ter (NM_001083604.3, NM_001083605.3, NM_001083606.3 and 1 more transcripts); c.666T>A, p.Tyr222Ter (NM_001354918.2); short protein forms Y156*, Y222*, Y71*, Y221*.
Identifiers: ClinVar variation 216059 (VCV000216059.9), dbSNP rs863224487, ClinGen allele CA338895.